The following is an entry in ClinVar:

NM_017514.5(PLXNA3):c.771_833del (p.Phe258_Phe278del)

Gene: PLXNA3 (plexin A3; plus strand). Cytogenetic location: Xq28.
Variant type: Deletion.
Coding change: c.771_833del on transcript NM_017514.5 (MANE Select); coding-DNA positions 771 to 833, 63 bases deleted.
Protein change: p.Phe258_Phe278del.
Molecular consequence: inframe deletion.
Genome position (GRCh38, 1-based): chrX:154,461,275-154,461,337, 63 bases deleted. GRCh37 (hg19): chrX:153,689,615-153,689,677.
Identifiers: ClinVar variation 4991989 (VCV004991989.1).

ClinVar aggregate classification (germline): Uncertain significance (1 of 4 stars; one submission).

Conditions:
PLXNA3-related disorder. Also called: PLXNA3-related condition.

Submission:

PreventionGenetics, part of Exact Sciences
Classification: Uncertain significance for PLXNA3-related condition. Last evaluated: 2026-05-10. Review status: criteria provided, single submitter. Criteria: ACMG Guidelines, 2015. Collection method: clinical testing. Allele origin: germline.
Comment: The PLXNA3 c.771_833del63 variant is predicted to result in an in-frame deletion (p.Phe258_Phe278del). To our knowledge, this variant has not been reported in the literature or in a large population database (gnomAD), indicating this variant is rare. At this time, the clinical significance of this variant is uncertain due to the absence of conclusive functional and genetic evidence.